The following is an entry in ClinVar:

ClinVar aggregate classification (germline): Pathogenic/Likely pathogenic. Review status: criteria provided, multiple submitters, no conflicts (2 of 4 stars). 2 submissions from 2 submitters: Pathogenic (1); Likely pathogenic (1). Last evaluated 2025-09-08.

Conditions:
Severe combined immunodeficiency disease. Also called: Severe Combined Immune Deficiency; Severe combined immunodeficiency. Identifiers: Orphanet 183660, MedGen C0085110, MeSH D016511, MONDO:0015974, HP:0004430. Inheritance: X-Linked or Autosomal recessive.
Combined immunodeficiency due to ZAP70 deficiency (IMD48). Also called: Immunodeficiency 48; ZAP70 Deficiency. Identifiers: Orphanet 911, MedGen C2931299, MONDO:0010023, OMIM 269840.

Allele frequency attached by ClinVar (database versions not stated): gnomAD exomes below 0.00001.
gnomAD v4.1: 1 of 1,573,214 alleles (0.000064%); highest among the groups gnomAD compares: Admixed American, 0.0018%; no homozygotes.

Submissions (2):

Labcorp Genetics (formerly Invitae), Labcorp
Classification: Pathogenic for Combined immunodeficiency due to ZAP70 deficiency. Last evaluated: 2025-09-08. Review status: criteria provided, single submitter. Criteria: Invitae Variant Classification Sherloc (09022015). Collection method: clinical testing. Allele origin: germline.
Comment: This sequence change replaces arginine, which is basic and polar, with glycine, which is neutral and non-polar, at codon 37 of the ZAP70 protein (p.Arg37Gly). This variant is not present in population databases (gnomAD no frequency). This missense change has been observed in individual(s) with severe combined immunodeficiency (PMID: 35503492, 38129328; internal data). In at least one individual the data is consistent with being in trans (on the opposite chromosome) from a pathogenic variant. ClinVar contains an entry for this variant (Variation ID: 659958). An algorithm developed to predict the effect of missense changes on protein structure and function (PolyPhen-2) suggests that this variant is likely to be disruptive. Experimental studies have shown that this missense change affects ZAP70 function (PMID: 38129328). For these reasons, this variant has been classified as Pathogenic.

Women's Health and Genetics/Laboratory Corporation of America, LabCorp
Classification: Likely pathogenic for Severe combined immunodeficiency disease. Last evaluated: 2023-12-18. Review status: criteria provided, single submitter. Criteria: LabCorp Variant Classification Summary - May 2015. Collection method: clinical testing. Allele origin: germline.
Comment: Variant summary: ZAP70 c.109C>G (p.Arg37Gly) results in a non-conservative amino acid change to a highly conserved residue located in the SH2 domain (IPR000980) of the encoded protein sequence. Five of five in-silico tools predict a damaging effect of the variant on protein function. The variant was absent in gnomAD, although frequency data for this variant in the database is considered unreliable, as metrics indicate poor data quality at this position. c.109C>G has been reported in the literature in individuals affected with Severe Combined Immunodeficiency (Kaman_2021, Barreiros_2022), one of which was compound heterozygous with a truncating variant. These data indicate that the variant is likely to be associated with disease. To our knowledge, no experimental evidence demonstrating an impact on protein function has been reported. The following publications have been ascertained in the context of this evaluation (PMID: 33184721, 35503492). One submitter has cited a clinical-significance assessment for this variant to ClinVar after 2014 and has classified the variant as uncertain significance. Based on the evidence outlined above, the variant was classified as likely pathogenic.

Literature cited by the submitters: PubMed 35503492 (cited by Labcorp Genetics (formerly Invitae), Labcorp and Women's Health and Genetics/Laboratory Corporation of America, LabCorp); PubMed 38129328 (cited by Labcorp Genetics (formerly Invitae), Labcorp); PubMed 33184721 (cited by Women's Health and Genetics/Laboratory Corporation of America, LabCorp).

NM_001079.4(ZAP70):c.109C>G (p.Arg37Gly)

Gene: ZAP70 (zeta chain of T cell receptor associated protein kinase 70; plus strand). Cytogenetic location: 2q11.2.
Variant type: single nucleotide variant.
Coding change: c.109C>G on transcript NM_001079.4 (MANE Select); coding-DNA position 109, C replaced by G.
Protein change: p.Arg37Gly; replaces arginine 37 with glycine.
Molecular consequence: missense variant.
Genome position (GRCh38, 1-based): chr2:97,724,145, C>G. VCF-style: chr2-97724145-C-G. GRCh37 (hg19) VCF-style: chr2-98340608-C-G.
Other names: c.109C>G, p.Arg37Gly (NM_001378594.1); short protein forms R37G.
Identifiers: ClinVar variation 659958 (VCV000659958.9), dbSNP rs1573261820, ClinGen allele CA347788105.
Genomic context (GRCh38, chr2:97,724,145, plus strand): 5'-CGTGCCGAGGCCGAGGAGCACCTGAAGCTGGCGGGCATGGCGGACGGGCTCTTCCTGCTG[C>G]GCCAGTGCCTGCGCTCGCTGGGCGGCTATGTGCTGTCGCTCGTGCACGATGTGCGCTTCC-3'
Protein context (NP_001070.2, residues 27-47): AGMADGLFLL[Arg37Gly]QCLRSLGGYV